The following is an entry in ClinVar:

ClinVar aggregate classification (germline): Pathogenic (1 of 4 stars; one submission).

Submission:

Labcorp Genetics (formerly Invitae), Labcorp
Classification: Pathogenic. Last evaluated: 2023-11-19. Review status: criteria provided, single submitter. Criteria: Invitae Variant Classification Sherloc (09022015). Collection method: clinical testing. Allele origin: germline.
Comment: This sequence change creates a premature translational stop signal (p.Pro369Glnfs*26) in the KIAA0556 gene. It is expected to result in an absent or disrupted protein product. Loss-of-function variants in KIAA0556 are known to be pathogenic (PMID: 26714646, 27245168). This variant is not present in population databases (gnomAD no frequency). This variant has not been reported in the literature in individuals affected with KIAA0556-related conditions. For these reasons, this variant has been classified as Pathogenic.

Literature cited by the submitters: PubMed 26714646; PubMed 27245168.

NM_015202.5(KATNIP):c.1102_1105dup (p.Pro369fs)

Gene: KATNIP (katanin interacting protein; plus strand). Cytogenetic location: 16p12.1.
Variant type: Microsatellite.
Coding change: c.1102_1105dup on transcript NM_015202.5 (MANE Select); coding-DNA positions 1102 to 1105, 4 bases duplicated (AGCC; older notation c.1102_1105dupAGCC).
Protein change: p.Pro369fs; shifts the reading frame from proline 369.
Molecular consequence: frameshift variant.
Genome position (GRCh38, 1-based): chr16:27,698,489-27,698,492, AGCC duplicated; duplicating any 4 consecutive bases within chr16:27,698,480-27,698,492 gives the same sequence; the c. name uses the placement nearest the transcript's 3' end. VCF-style (leftmost placement, unchanged base first): chr16-27698479-G-GCAGC. GRCh37 (hg19) VCF-style: chr16-27709800-G-GCAGC.
Other names: short protein forms P369fs.
Identifiers: ClinVar variation 3009140 (VCV003009140.3), dbSNP rs2544828444, ClinGen allele CA2740093283.